The following is an entry in ClinVar:

ClinVar aggregate classification (germline): Conflicting classifications of pathogenicity. Review status: criteria provided, conflicting classifications (1 of 4 stars). 2 submissions from 2 submitters: Likely pathogenic (1); Uncertain significance (1). Last evaluated 2025-09-01.

Conditions:
RECON progeroid syndrome (RECON). Identifiers: MedGen C5830504, MONDO:0957266, OMIM 620370.

Submissions (2):

CeGaT Center for Human Genetics Tuebingen
Classification: Uncertain significance. Last evaluated: 2025-09-01. Review status: criteria provided, single submitter. Criteria: CeGaT Center For Human Genetics Tuebingen Variant Classification Criteria Version 2. Collection method: clinical testing. Allele origin: germline. Affected: yes. Observed: 1 variant allele.
Comment: RECQL: PM2, PM3:Supporting

First Genomix Gene Laboratory, Genetic Diagnostics Department
Classification: Likely pathogenic for RECON progeroid syndrome. Last evaluated: 2025-05-07. Review status: criteria provided, single submitter. Criteria: ACMG Guidelines, 2015. Collection method: clinical testing. Allele origin: germline. Inheritance: Autosomal recessive inheritance. Affected: no. Observed: 1 variant allele.

NM_002907.4(RECQL):c.1177A>T (p.Lys393Ter)

Gene: RECQL (RecQ like helicase; minus strand). Cytogenetic location: 12p12.1.
Variant type: single nucleotide variant.
Coding change: c.1177A>T on transcript NM_002907.4 (MANE Select); coding-DNA position 1177, A replaced by T.
Protein change: p.Lys393Ter; replaces lysine 393 with a stop codon.
Molecular consequence: nonsense.
Genome position (GRCh38, 1-based): chr12:21,475,507, T>A on the plus strand (A>T on the coding strand, the complement: RECQL is on the minus strand). VCF-style: chr12-21475507-T-A. GRCh37 (hg19) VCF-style: chr12-21628441-T-A.
Other names: c.1177A>T, p.Lys393Ter (NM_032941.3); short protein forms K393*.
Identifiers: ClinVar variation 4280897 (VCV004280897.8).